The following is an entry in ClinVar:

ClinVar aggregate classification (germline): Uncertain significance (1 of 4 stars; one submission).

Conditions:
Inborn genetic diseases. Identifiers: MedGen C0950123, MeSH D030342.

Submission:

Ambry Genetics
Classification: Uncertain significance for Inborn genetic diseases. Last evaluated: 2022-10-08. Review status: criteria provided, single submitter. Criteria: Ambry Variant Classification Scheme 2023. Collection method: clinical testing. Allele origin: germline.
Comment: The p.T373N variant (also known as c.1118C>A), located in coding exon 5 of the PIK3CA gene, results from a C to A substitution at nucleotide position 1118. The threonine at codon 373 is replaced by asparagine, an amino acid with similar properties. This amino acid position is conserved. In addition, the in silico prediction for this alteration is inconclusive. Since supporting evidence is limited at this time, the clinical significance of this alteration remains unclear.

NM_006218.4(PIK3CA):c.1118C>A (p.Thr373Asn)

Gene: PIK3CA (phosphatidylinositol-4,5-bisphosphate 3-kinase catalytic subunit alpha; plus strand). Cytogenetic location: 3q26.32.
Variant type: single nucleotide variant.
Coding change: c.1118C>A on transcript NM_006218.4 (MANE Select); coding-DNA position 1118, C replaced by A.
Protein change: p.Thr373Asn; replaces threonine 373 with asparagine.
Molecular consequence: missense variant.
Genome position (GRCh38, 1-based): chr3:179,204,561, C>A. VCF-style: chr3-179204561-C-A. GRCh37 (hg19) VCF-style: chr3-178922349-C-A.
Other names: short protein forms T373N.
Identifiers: ClinVar variation 1796761 (VCV001796761.2), dbSNP rs1724507332, ClinGen allele CA355283081.